The following is an entry in ClinVar:

ClinVar aggregate classification (germline): Uncertain significance (1 of 4 stars; one submission).

Conditions:
Generalized epilepsy with febrile seizures plus, type 7 (GEFSP7). Also called: GEFS+, TYPE 7. Identifiers: Orphanet 36387, MedGen C2751778, MONDO:0013470, OMIM 613863.
Neuropathy, hereditary sensory and autonomic, type 2A (HSAN2A). Also called: HSAN IIA; NEUROPATHY, CONGENITAL SENSORY; NEUROPATHY, HEREDITARY SENSORY RADICULAR, AUTOSOMAL RECESSIVE; NEUROPATHY, HEREDITARY SENSORY, TYPE IIA; NEUROPATHY, PROGRESSIVE SENSORY, OF CHILDREN; MORVAN DISEASE. Identifiers: Orphanet 970, MedGen C2752089, MONDO:0024309, OMIM 201300.

Submission:

Labcorp Genetics (formerly Invitae), Labcorp
Classification: Uncertain significance for Neuropathy, hereditary sensory and autonomic, type 2A; Generalized epilepsy with febrile seizures plus, type 7. Last evaluated: 2023-07-07. Review status: criteria provided, single submitter. Criteria: Invitae Variant Classification Sherloc (09022015). Collection method: clinical testing. Allele origin: germline.
Comment: In summary, the available evidence is currently insufficient to determine the role of this variant in disease. Therefore, it has been classified as a Variant of Uncertain Significance. This variant has not been reported in the literature in individuals affected with SCN9A-related conditions. This variant is not present in population databases (gnomAD no frequency). This sequence change replaces arginine, which is basic and polar, with leucine, which is neutral and non-polar, at codon 1891 of the SCN9A protein (p.Arg1891Leu). ClinVar contains an entry for this variant (Variation ID: 1359051). Advanced modeling of protein sequence and biophysical properties (such as structural, functional, and spatial information, amino acid conservation, physicochemical variation, residue mobility, and thermodynamic stability) performed at Invitae indicates that this missense variant is not expected to disrupt SCN9A protein function.

NM_001365536.1(SCN9A):c.5705G>T (p.Arg1902Leu)

Genes: SCN1A-AS1 (SCN1A and SCN9A antisense RNA 1; plus strand), SCN9A (sodium voltage-gated channel alpha subunit 9; minus strand). Cytogenetic location: 2q24.3.
Variant type: single nucleotide variant.
Coding change: c.5705G>T on transcript NM_001365536.1 (MANE Select); coding-DNA position 5705, G replaced by T.
Protein change: p.Arg1902Leu; replaces arginine 1902 with leucine.
Molecular consequence: missense variant.
Genome position (GRCh38, 1-based): chr2:166,198,934, C>A on the plus strand (G>T on the coding strand, the complement: SCN9A is on the minus strand). VCF-style: chr2-166198934-C-A. GRCh37 (hg19) VCF-style: chr2-167055444-C-A.
Other names: c.5672G>T, p.Arg1891Leu (NM_002977.4); short protein forms R1891L, R1902L.
Identifiers: ClinVar variation 1359051 (VCV001359051.8), dbSNP rs180949263, ClinGen allele CA349051681.